The following is an entry in ClinVar:

NM_005555.4(KRT6B):c.1313A>G (p.Lys438Arg)

Gene: KRT6B (keratin 6B; minus strand). Cytogenetic location: 12q13.13.
Variant type: single nucleotide variant.
Coding change: c.1313A>G on transcript NM_005555.4 (MANE Select); coding-DNA position 1313, A replaced by G.
Protein change: p.Lys438Arg; replaces lysine 438 with arginine.
Molecular consequence: missense variant.
Genome position (GRCh38, 1-based): chr12:52,447,889, T>C on the plus strand (A>G on the coding strand, the complement: KRT6B is on the minus strand). VCF-style: chr12-52447889-T-C. GRCh37 (hg19) VCF-style: chr12-52841673-T-C.
Other names: c.1313A>G (NM_005555.3); short protein forms K438R.
Identifiers: ClinVar variation 2080481 (VCV002080481.7), dbSNP rs146391553, ClinGen allele CA6580450.
Genomic context (GRCh38, chr12:52,447,889, plus strand): 5'-AGGGCCAGCTTGACGTTCATCAGCTCCTGGTACTCCTTCAGCAGCCGGGCCAGGTCCTGC[T>C]TGGCCTTCTGCAGGGCATCCTCCAGCCCTTCCAGCTTGTTCTTAGCATCCTTGAGGGCCA-3'
Protein context (NP_005546.2, residues 428-448): EGLEDALQKA[Lys438Arg]QDLARLLKEY

ClinVar aggregate classification (germline): Likely benign. Review status: criteria provided, multiple submitters, no conflicts (2 of 4 stars). 3 submissions from 3 submitters: Likely benign (2). 1 of the submissions does not count toward it. Last evaluated 2024-07-18.

Conditions:
KRT6B-related disorder. Also called: KRT6B-related condition.

Allele frequency attached by ClinVar (database versions not stated): gnomAD exomes 0.00005; ExAC 0.00028; TOPMed 0.00046; gnomAD 0.00048; ESP Exome Variant Server 0.00054; 1000 Genomes Project 0.00100; 1000 Genomes Project 30x 0.00125.
gnomAD v4.1: 153 of 1,614,210 alleles (0.0095%); highest among the groups gnomAD compares: African/African-American, 0.13%; no homozygotes.

Submissions (3):

Blueprint Genetics
Classification: Likely benign. Last evaluated: 2024-07-18. Review status: criteria provided, single submitter. Criteria: ACMG Guidelines, 2015. Collection method: clinical testing. Allele origin: germline.

Labcorp Genetics (formerly Invitae), Labcorp
Classification: Likely benign. Last evaluated: 2023-08-04. Review status: criteria provided, single submitter. Criteria: Invitae Variant Classification Sherloc (09022015). Collection method: clinical testing. Allele origin: germline.

PreventionGenetics, part of Exact Sciences
Classification: Likely benign for KRT6B-related condition. Last evaluated: 2023-05-22. Review status: no assertion criteria provided. Collection method: clinical testing. Allele origin: germline. Not counted in ClinVar's aggregate classification.
Comment: This variant is classified as likely benign based on ACMG/AMP sequence variant interpretation guidelines (Richards et al. 2015 PMID: 25741868, with internal and published modifications).